The following is an entry in ClinVar:

ClinVar aggregate classification (germline): Uncertain significance (1 of 4 stars; one submission).

Allele frequency attached by ClinVar (database versions not stated): gnomAD 0.00001; gnomAD exomes 0.00001; TOPMed 0.00002.

Submission:

Labcorp Genetics (formerly Invitae), Labcorp
Classification: Uncertain significance. Last evaluated: 2024-10-07. Review status: criteria provided, single submitter. Criteria: Invitae Variant Classification Sherloc (09022015). Collection method: clinical testing. Allele origin: germline.
Comment: This sequence change replaces alanine, which is neutral and non-polar, with threonine, which is neutral and polar, at codon 121 of the ALPK3 protein (p.Ala121Thr). This variant is present in population databases (no rsID available, gnomAD 0.02%). This variant has not been reported in the literature in individuals affected with ALPK3-related conditions. ClinVar contains an entry for this variant (Variation ID: 1898851). An algorithm developed to predict the effect of missense changes on protein structure and function outputs the following: PolyPhen-2: "Possibly Damaging". The threonine amino acid residue is found in multiple mammalian species, which suggests that this missense change does not adversely affect protein function. In summary, the available evidence is currently insufficient to determine the role of this variant in disease. Therefore, it has been classified as a Variant of Uncertain Significance.

NC_000015.10:g.84817207G>A

Gene: ALPK3 (alpha kinase 3; plus strand). Cytogenetic location: 15q25.3.
Variant type: single nucleotide variant.
Genome position: GRCh38 VCF-style: chr15-84817207-G-A. GRCh37 (hg19) VCF-style: chr15-85360438-G-A.
Identifiers: ClinVar variation 1898851 (VCV001898851.5), dbSNP rs1253449891, ClinGen allele CA393368754.